The following is an entry in ClinVar:

NM_003073.5(SMARCB1):c.920_921del (p.Phe307fs)

Gene: SMARCB1 (SWI/SNF related BAF chromatin remodeling complex subunit B1; plus strand). Cytogenetic location: 22q11.23.
Variant type: Deletion.
Coding change: c.920_921del on transcript NM_003073.5 (MANE Select); coding-DNA positions 920 to 921, 2 bases deleted (TT; older notation c.920_921delTT).
Protein change: p.Phe307fs; shifts the reading frame from phenylalanine 307.
Molecular consequence: frameshift variant.
Genome position (GRCh38, 1-based): chr22:23,825,349-23,825,350, TT deleted; deleting any 2 consecutive bases within chr22:23,825,348-23,825,350 gives the same sequence; the c. name uses the placement nearest the transcript's 3' end. VCF-style (leftmost placement, unchanged base first): chr22-23825347-GTT-G. GRCh37 (hg19) VCF-style: chr22-24167534-GTT-G.
Other names: c.892_893del (NM_001007468.3); c.893_894del, p.Phe298fs (NM_001007468.3); c.947_948del, p.Phe316fs (NM_001317946.2); c.974_975del, p.Phe325fs (NM_001362877.2); short protein forms F298fs, F307fs, F316fs, F325fs.
Identifiers: ClinVar variation 4884457 (VCV004884457.1).

ClinVar aggregate classification (germline): Likely pathogenic (1 of 4 stars; one submission).

Conditions:
Rhabdoid tumor predisposition syndrome 1 (RTPS1). Also called: Familial Posterior Fossa Brain Tumor of Infancy. Identifiers: Orphanet 231108, Orphanet 69077, MedGen C1836327, MONDO:0012252, OMIM 609322.

Submission:

Diller/Parad Lab, Dana-Farber/Harvard Cancer Center
Classification: Likely pathogenic for Rhabdoid tumor predisposition syndrome 1. Last evaluated: 2026-05-29. Review status: criteria provided, single submitter. Criteria: ACMG Guidelines, 2015. Collection method: research. Allele origin: germline. Affected: yes.
Comment: It has been classified as Likely Pathogenic using Richards et al (PMID:25741868) based on the following evidence codes: PM2, PVS1.